The following is an entry in ClinVar:

NM_152268.4(PARS2):c.874T>C (p.Cys292Arg)

Gene: PARS2 (prolyl-tRNA synthetase 2, mitochondrial; minus strand). Cytogenetic location: 1p32.3.
Variant type: single nucleotide variant.
Coding change: c.874T>C on transcript NM_152268.4 (MANE Select); coding-DNA position 874, T replaced by C.
Protein change: p.Cys292Arg; replaces cysteine 292 with arginine.
Molecular consequence: missense variant.
Genome position (GRCh38, 1-based): chr1:54,758,288, A>G on the plus strand (T>C on the coding strand, the complement: PARS2 is on the minus strand). VCF-style: chr1-54758288-A-G. GRCh37 (hg19) VCF-style: chr1-55223961-A-G.
Other names: short protein forms C292R.
Identifiers: ClinVar variation 1698984 (VCV001698984.5), dbSNP rs779085274, ClinGen allele CA340461249.
Genomic context (GRCh38, chr1:54,758,288, plus strand): 5'-AAAATGTGTGCCCCACCTCAATGCCTTTGGTTTTAGTCAATGGGCCCTGGCAAGCAGGGC[A>G]GTTCATTTGTGACAAGTCTAGTGTCTCCATGTTGGCTGAGAAGCTGCAGCGGGGACAGAT-3'
Protein context (NP_689481.2, residues 282-302): METLDLSQMN[Cys292Arg]PACQGPLTKT

ClinVar aggregate classification (germline): Uncertain significance. Review status: criteria provided, multiple submitters, no conflicts (2 of 4 stars). 2 submissions from 2 submitters: Uncertain significance (2). Last evaluated 2023-07-17.

Conditions:
Developmental and epileptic encephalopathy, 75. Also called: EPILEPTIC ENCEPHALOPATHY, EARLY INFANTILE, 75. Identifiers: MedGen C5193099, MONDO:0032752, OMIM 618437.

gnomAD v4.1: 8 of 1,614,232 alleles (0.0005%); highest among the groups gnomAD compares: Non-Finnish European, 0.00068%; no homozygotes.

Submissions (2):

Victorian Clinical Genetics Services, Murdoch Childrens Research Institute
Classification: Uncertain significance for Developmental and epileptic encephalopathy, 75. Last evaluated: 2023-07-17. Review status: criteria provided, single submitter. Criteria: ACMG Guidelines, 2015. Collection method: clinical testing. Allele origin: germline. Inheritance: Autosomal recessive inheritance. Affected: yes.
Comment: Based on the classification scheme VCGS_Germline_v1.3.4, this variant is classified as VUS-3A. Following criteria are met: 0102 - Loss of function is a likely mechanism of disease in this gene and is associated with developmental and epileptic encephalopathy 75 (MIM#618437). (I) 0106 - This gene is associated with autosomal recessive disease. (I) 0200 - Variant is predicted to result in a missense amino acid change from cysteine to arginine. (I) 0251 - This variant is heterozygous. (I) 0301 - Variant is absent from gnomAD (both v2 and v3). (SP) 0309 - An alternative amino acid change at the same position has been observed in gnomAD (v2: 1 heterozygote, 0 homozygotes). (I) 0501 - Missense variant consistently predicted to be damaging by multiple in silico tools or highly conserved with a major amino acid change. (SP) 0600 - Variant is located in the annotated tRNA synthetase class II core domain. Protein modelling studies indicate that Cys192 is the first residue of the CXXC motif on the mitochondrial prolyl-tRNA synthetase 2 and is located on the surface of the protein. This motif is regarded as a signature of the active site of all thiol-disulfide oxidoreductases (personal communication). However, these studies have not been supported by functional studies. (I) 0705 - No comparable missense variants have previous evidence for pathogenicity. (I) 0807 - This variant has no previous evidence of pathogenicity. (I) 0905 - No published segregation evidence has been identified for this variant. (I) 1006 - Research laboratory assay shows abnormal function of product not specific to the gene. Western blot performed with fibroblasts from compound heterozygous proband (this variant is in trans with NM_152268.3(PARS2):c.340G>A; p.(Gly114Ser)) showed decreased levels of complex I, III and IV, consistent with a combined respiratory chain enzyme defect (Brain and Mitochondrial Department, Murdoch Children's Research Institute, Victoria, Australia, personal communication). (I) Legend: (SP) - Supporting pathogenic, (I) - Information, (SB) - Supporting benign

GeneDx
Classification: Uncertain significance. Last evaluated: 2022-07-20. Review status: criteria provided, single submitter. Criteria: GeneDx Variant Classification Process June 2021. Collection method: clinical testing. Allele origin: germline. Affected: yes.
Comment: Not observed at significant frequency in large population cohorts (gnomAD); In silico analysis supports that this missense variant has a deleterious effect on protein structure/function; Has not been previously published as pathogenic or benign to our knowledge